The following is an entry in ClinVar:

ClinVar aggregate classification (germline): Likely benign. Review status: criteria provided, multiple submitters, no conflicts (2 of 4 stars). 3 submissions from 3 submitters: Likely benign (2). 1 of the submissions does not count toward it. Last evaluated 2026-07-01.

Conditions:
ITPR3-related disorder. Also called: ITPR3-related condition.

Allele frequency attached by ClinVar (database versions not stated): 1000 Genomes Project 0.00060; 1000 Genomes Project 30x 0.00062; ESP Exome Variant Server 0.00085; TOPMed 0.00086; gnomAD 0.00088 and 0.00089; gnomAD exomes 0.00103 and 0.00118; ExAC 0.00144.
gnomAD v4.1: 1,829 of 1,612,808 alleles (0.11%); highest among the groups gnomAD compares: Non-Finnish European, 0.14%; no homozygotes.

Submissions (3):

CeGaT Center for Human Genetics Tuebingen
Classification: Likely benign. Last evaluated: 2026-07-01. Review status: criteria provided, single submitter. Criteria: CeGaT Center For Human Genetics Tuebingen Variant Classification Criteria Version 2. Collection method: clinical testing. Allele origin: germline. Affected: yes. Observed: 5 variant alleles.
Comment: ITPR3: BP4, BS1

Labcorp Genetics (formerly Invitae), Labcorp
Classification: Likely benign. Last evaluated: 2018-04-25. Review status: criteria provided, single submitter. Criteria: Invitae Variant Classification Sherloc (09022015). Collection method: clinical testing. Allele origin: germline.

PreventionGenetics, part of Exact Sciences
Classification: Likely benign for ITPR3-related condition. Last evaluated: 2019-03-13. Review status: no assertion criteria provided. Collection method: clinical testing. Allele origin: germline. Not counted in ClinVar's aggregate classification.
Comment: This variant is classified as likely benign based on ACMG/AMP sequence variant interpretation guidelines (Richards et al. 2015 PMID: 25741868, with internal and published modifications).

NM_002224.4(ITPR3):c.2586+8G>T

Gene: ITPR3 (inositol 1,4,5-trisphosphate receptor type 3; plus strand). Cytogenetic location: 6p21.31.
Variant type: single nucleotide variant.
Coding change: c.2586+8G>T on transcript NM_002224.4 (MANE Select); 8 bases into the intron after coding-DNA position 2586, G replaced by T.
Molecular consequence: intron variant.
Genome position (GRCh38, 1-based): chr6:33,670,823, G>T. VCF-style: chr6-33670823-G-T. GRCh37 (hg19) VCF-style: chr6-33638600-G-T.
Identifiers: ClinVar variation 717152 (VCV000717152.28), dbSNP rs202227435, ClinGen allele CA3760617.